The following is an entry in ClinVar:

NM_000257.4(MYH7):c.-8-1G>A

Gene: MYH7 (myosin heavy chain 7; minus strand). Cytogenetic location: 14q11.2.
Variant type: single nucleotide variant.
Coding change: c.-8-1G>A on transcript NM_000257.4 (MANE Select); the canonical splice acceptor site of the intron before 8 bases upstream of the start codon, G replaced by A.
Molecular consequence: splice acceptor variant.
Genome position (GRCh38, 1-based): chr14:23,433,741, C>T on the plus strand (G>A on the coding strand, the complement: MYH7 is on the minus strand). VCF-style: chr14-23433741-C-T. GRCh37 (hg19) VCF-style: chr14-23902950-C-T.
Other names: c.-8-1G>A (NM_001407004.1).
Identifiers: ClinVar variation 4759019 (VCV004759019.1).

ClinVar aggregate classification (germline): Uncertain significance (1 of 4 stars; one submission).

Conditions:
Cardiomyopathy (CMYO). Also called: Cardiomyopathies. Identifiers: Orphanet 167848, MedGen C0878544, MONDO:0004994, HP:0001638. Inheritance: Various modes of inheritance.

gnomAD v4.1: 1 of 1,613,428 alleles (0.000062%); highest among the groups gnomAD compares: Non-Finnish European, 0.000085%; no homozygotes.

Submission:

Color Diagnostics, LLC DBA Color Health
Classification: Uncertain significance for Cardiomyopathy. Last evaluated: 2025-07-21. Review status: criteria provided, single submitter. Criteria: ACMG Guidelines, 2015. Collection method: clinical testing. Allele origin: germline.
Comment: This variant causes a G>A nucleotide substitution at the -1 position of intron 2 of the MYH7 gene. Splice site prediction tools suggest that this variant may have a significant impact on RNA splicing. Although this prediction has not been confirmed in published RNA studies, this variant is expected to result in an absent or disrupted protein product. This variant has not been reported in individuals affected with MYH7-related disorders in the literature. This variant has not been identified in the general population by the Genome Aggregation Database (gnomAD). Clinical relevance of loss-of-function MYH7 truncation and splice variants in autosomal dominant cardiovascular disorders is not clearly established. The available evidence is insufficient to determine the role of this variant in disease conclusively. Therefore, this variant is classified as a Variant of Uncertain Significance.